The following is an entry in ClinVar:

ClinVar aggregate classification (germline): Uncertain significance (1 of 4 stars; one submission).

Allele frequency attached by ClinVar (database versions not stated): gnomAD exomes below 0.00001 and 0.00001; TOPMed below 0.00001; gnomAD 0.00001; ExAC 0.00002; 1000 Genomes Project 0.00020; 1000 Genomes Project 30x 0.00031.
gnomAD v4.1: 7 of 1,614,190 alleles (0.00043%); highest among the groups gnomAD compares: Admixed American, 0.0017%; no homozygotes.

Submissions (2):

ARUP Laboratories, Molecular Genetics and Genomics, ARUP Laboratories
Classification: Uncertain significance. Last evaluated: 2017-07-21. Review status: criteria provided, single submitter. Criteria: ARUP Molecular Germline Variant Investigation Process. Collection method: clinical testing. Allele origin: germline.
Comment: The p.Ile127Thr variant (rs201424119) has not been reported in the medical literature, is not listed in gene-specific variant databases, nor has it been previously identified in our laboratory. It is listed in the Genome Aggregation Database (gnomAD) browser with an overall frequency of 0.0004% (identified in 1 out of 246,176 chromosomes). The isoleucine at codon 127 is weakly conserved considering 12 species (Alamut software v2.9), and computational analyses suggest this variant does not have a significant effect on COX10 protein structure/function (SIFT: tolerated, PolyPhen2: benign, and Mutation Taster: polymorphism). However, due to the low population frequency, the clinical significance of the p.Ile127Thr variant cannot be determined with certainty.

Johnston Lab, North Central College
No classification provided (evidence only). Review status: no classification provided. Collection method: in vitro. Allele origin: not applicable. Functional consequence: loss_of_function_variant. Not counted in ClinVar's aggregate classification.
ClinVar note: "not provided" was previously submitted as the classification for the variant. However, the classification appeared to be based only on an observation of functional data so it was converted to no classification on 2025-07-30.

NM_001303.4(COX10):c.380T>C (p.Ile127Thr)

Gene: COX10 (cytochrome c oxidase assembly factor heme A:farnesyltransferase COX10; plus strand). Cytogenetic location: 17p12.
Variant type: single nucleotide variant.
Coding change: c.380T>C on transcript NM_001303.4 (MANE Select); coding-DNA position 380, T replaced by C.
Protein change: p.Ile127Thr; replaces isoleucine 127 with threonine.
Molecular consequence: missense variant.
Genome position (GRCh38, 1-based): chr17:14,076,937, T>C. VCF-style: chr17-14076937-T-C. GRCh37 (hg19) VCF-style: chr17-13980254-T-C.
Other names: short protein forms I127T.
Identifiers: ClinVar variation 618042 (VCV000618042.11), dbSNP rs201424119, ClinGen allele CA8402301.